The following is an entry in ClinVar:

NM_002667.5(PLN):c.136T>C (p.Cys46Arg)

Genes: CEP85L (centrosomal protein 85L; minus strand), PLN (phospholamban; plus strand). Cytogenetic location: 6q22.31.
Variant type: single nucleotide variant.
Coding change: c.136T>C on transcript NM_002667.5 (MANE Select); coding-DNA position 136, T replaced by C.
Protein change: p.Cys46Arg; replaces cysteine 46 with arginine.
Molecular consequence: missense variant. On other transcripts: intron variant (3).
Genome position (GRCh38, 1-based): chr6:118,559,057, T>C. VCF-style: chr6-118559057-T-C. GRCh37 (hg19) VCF-style: chr6-118880220-T-C.
Other names: c.1029+6472A>G (NM_001178035.2); c.1020+6472A>G (NM_001042475.3, NM_206921.3); short protein forms C46R.
Identifiers: ClinVar variation 2899578 (VCV002899578.3), dbSNP rs2534334077, ClinGen allele CA365546704.

ClinVar aggregate classification (germline): Uncertain significance (1 of 4 stars; one submission).

Conditions:
Dilated cardiomyopathy 1P (CMD1P). Identifiers: Orphanet 154, MedGen C1835928, MONDO:0012362, OMIM 609909.

Allele frequency attached by ClinVar (database versions not stated): gnomAD exomes below 0.00001.
gnomAD v4.1: 1 of 1,611,840 alleles (0.000062%); highest among the groups gnomAD compares: Non-Finnish European, 0.000085%; no homozygotes.

Submission:

Labcorp Genetics (formerly Invitae), Labcorp
Classification: Uncertain significance for Dilated cardiomyopathy 1P. Last evaluated: 2025-12-02. Review status: criteria provided, single submitter. Criteria: Invitae Variant Classification Sherloc (09022015). Collection method: clinical testing. Allele origin: germline.
Comment: This sequence change replaces cysteine, which is neutral and slightly polar, with arginine, which is basic and polar, at codon 46 of the PLN protein (p.Cys46Arg). This variant is not present in population databases (gnomAD no frequency). This variant has not been reported in the literature in individuals affected with PLN-related conditions. ClinVar contains an entry for this variant (Variation ID: 2899578). An algorithm developed to predict the effect of missense changes on protein structure and function (PolyPhen-2) suggests that this variant is likely to be disruptive. In summary, the available evidence is currently insufficient to determine the role of this variant in disease. Therefore, it has been classified as a Variant of Uncertain Significance.